The following is an entry in ClinVar:

NM_001267550.2(TTN):c.97257T>C (p.Ile32419=)

Genes: TTN (titin; minus strand), TTN-AS1 (TTN antisense RNA 1; plus strand). Cytogenetic location: 2q31.2.
Variant type: single nucleotide variant.
Coding change: c.97257T>C on transcript NM_001267550.2 (MANE Select); coding-DNA position 97257, T replaced by C.
Protein change: p.Ile32419=; no amino-acid change (isoleucine 32419 retained).
Molecular consequence: synonymous variant.
Genome position (GRCh38, 1-based): chr2:178,542,499, A>G on the plus strand (T>C on the coding strand, the complement: TTN is on the minus strand). VCF-style: chr2-178542499-A-G. GRCh37 (hg19) VCF-style: chr2-179407226-A-G.
Other names: p.I30778I:ATT>ATC; c.92334T>C, p.Ile30778= (NM_001256850.1); c.89553T>C, p.Ile29851= (NM_133378.4); c.70062T>C, p.Ile23354= (NM_003319.4); c.70437T>C, p.Ile23479= (NM_133432.3); c.70638T>C, p.Ile23546= (NM_133437.4).
Identifiers: ClinVar variation 47582 (VCV000047582.48), dbSNP rs373206096, ClinGen allele CA141421.

ClinVar aggregate classification (germline): Conflicting classifications of pathogenicity. Review status: criteria provided, conflicting classifications (1 of 4 stars). 19 submissions from 15 submitters: Uncertain significance (4); Benign (5); Likely benign (6). 4 of the submissions do not count toward it. Last evaluated 2026-06-01.

Conditions:
TTN-related disorder. Also called: TTN-related condition; TTN-related disease; TTN-related disorders.
Cardiovascular phenotype. Identifiers: MedGen CN230736.
Dilated cardiomyopathy 1G (CMD1G). Identifiers: Orphanet 154, MedGen C1858763, MONDO:0011400, OMIM 604145.
Autosomal recessive limb-girdle muscular dystrophy type 2J (LGMDR10). Also called: Limb-girdle muscular dystrophy, type 2J; MUSCULAR DYSTROPHY, LIMB-GIRDLE, AUTOSOMAL RECESSIVE 10. Identifiers: Orphanet 140922, MedGen C1837342, MONDO:0012127, OMIM 608807.
Early-onset myopathy with fatal cardiomyopathy (CMYO5). Also called: Salih Myopathy; CONGENITAL MYOPATHY 5 WITH CARDIOMYOPATHY. Identifiers: Orphanet 289377, MedGen C2673677, MONDO:0012714, OMIM 611705. Disease mechanism: loss of function.
Myopathy, myofibrillar, 9, with early respiratory failure (MFM9). Also called: Hereditary myopathy with early respiratory failure; Myopathy, distal, with early respiratory failure, autosomal dominant; EDSTROM MYOPATHY; MYOPATHY, PROXIMAL, WITH EARLY RESPIRATORY MUSCLE INVOLVEMENT. Identifiers: Orphanet 178464, Orphanet 34521, MedGen C1863599, MONDO:0011362, OMIM 603689.
Tibial muscular dystrophy (TMD). Also called: Udd Distal Myopathy – Tibial Muscular Dystrophy; Tibial muscular dystrophy, tardive; UDD MYOPATHY. Identifiers: Orphanet 609, MedGen C1838244, MONDO:0010870, OMIM 600334.

Allele frequency attached by ClinVar (database versions not stated): TOPMed 0.00017; gnomAD 0.00025 and 0.00026; gnomAD exomes 0.00030 and 0.00057; ExAC 0.00036; ESP Exome Variant Server 0.00058.
gnomAD v4.1: 848 of 1,612,660 alleles (0.053%); highest among the groups gnomAD compares: Non-Finnish European, 0.064%; no homozygotes.

Submissions (19):

CeGaT Center for Human Genetics Tuebingen
Classification: Likely benign. Last evaluated: 2026-06-01. Review status: criteria provided, single submitter. Criteria: CeGaT Center For Human Genetics Tuebingen Variant Classification Criteria Version 2. Collection method: clinical testing. Allele origin: germline. Affected: yes. Observed: 4 variant alleles.
Comment: TTN: BP4, BP7

Labcorp Genetics (formerly Invitae), Labcorp
Classification: Benign for Dilated cardiomyopathy 1G; Autosomal recessive limb-girdle muscular dystrophy type 2J. Last evaluated: 2026-01-19. Review status: criteria provided, single submitter. Criteria: Invitae Variant Classification Sherloc (09022015). Collection method: clinical testing. Allele origin: germline.

Molecular Diagnostic Laboratory for Inherited Cardiovascular Disease, Montreal Heart Institute
Classification: Benign. Last evaluated: 2025-04-09. Review status: criteria provided, single submitter. Criteria: ACMG Guidelines, 2015. Collection method: clinical testing. Allele origin: germline. Affected: no.

Blueprint Genetics
Classification: Likely benign. Last evaluated: 2024-10-16. Review status: criteria provided, single submitter. Criteria: ACMG Guidelines, 2015. Collection method: clinical testing. Allele origin: germline.

Women's Health and Genetics/Laboratory Corporation of America, LabCorp
Classification: Likely benign. Last evaluated: 2021-07-26. Review status: criteria provided, single submitter. Criteria: LabCorp Variant Classification Summary - May 2015. Collection method: clinical testing. Allele origin: germline.

GeneDx
Classification: Likely benign. Last evaluated: 2019-06-12. Review status: criteria provided, single submitter. Criteria: GeneDx Variant Classification Process June 2021. Collection method: clinical testing. Allele origin: germline. Affected: yes.

Ambry Genetics
Classification: Likely benign for Cardiovascular phenotype. Last evaluated: 2018-03-09. Review status: criteria provided, single submitter. Criteria: Ambry Variant Classification Scheme 2023. Collection method: clinical testing. Allele origin: germline.

Illumina Laboratory Services, Illumina
Classification: Uncertain significance for Dilated cardiomyopathy 1G. Last evaluated: 2018-01-12. Review status: criteria provided, single submitter. Criteria: ICSL Variant Classification Criteria 13 December 2019. Collection method: clinical testing. Allele origin: germline.

Illumina Laboratory Services, Illumina
Classification: Uncertain significance for Early-onset myopathy with fatal cardiomyopathy. Last evaluated: 2018-01-12. Review status: criteria provided, single submitter. Criteria: ICSL Variant Classification Criteria 13 December 2019. Collection method: clinical testing. Allele origin: germline.

Illumina Laboratory Services, Illumina
Classification: Benign for Tibial muscular dystrophy. Last evaluated: 2018-01-12. Review status: criteria provided, single submitter. Criteria: ICSL Variant Classification Criteria 13 December 2019. Collection method: clinical testing. Allele origin: germline.
Comment: This variant was observed in the ICSL laboratory as part of a predisposition screen in an ostensibly healthy population. It had not been previously curated by ICSL or reported in the Human Gene Mutation Database (HGMD: prior to June 1st, 2018), and was therefore a candidate for classification through an automated scoring system. Utilizing variant allele frequency, disease prevalence and penetrance estimates, and inheritance mode, an automated score was calculated to assess if this variant is too frequent to cause the disease. Based on the score and internal cut-off values, a variant classified as benign is not then subjected to further curation. The score for this variant resulted in a classification of benign for this disease.

Illumina Laboratory Services, Illumina
Classification: Benign for Myopathy, myofibrillar, 9, with early respiratory failure. Last evaluated: 2018-01-12. Review status: criteria provided, single submitter. Criteria: ICSL Variant Classification Criteria 13 December 2019. Collection method: clinical testing. Allele origin: germline.
Comment: the same text as in the submission from Illumina Laboratory Services, Illumina above.

Illumina Laboratory Services, Illumina
Classification: Uncertain significance for Autosomal recessive limb-girdle muscular dystrophy type 2J. Last evaluated: 2018-01-12. Review status: criteria provided, single submitter. Criteria: ICSL Variant Classification Criteria 13 December 2019. Collection method: clinical testing. Allele origin: germline.

Athena Diagnostics
Classification: Benign. Last evaluated: 2017-05-17. Review status: criteria provided, single submitter. Criteria: Athena Diagnostics Criteria. Collection method: clinical testing. Allele origin: germline.

Eurofins Ntd Llc (ga)
Classification: Uncertain significance. Last evaluated: 2017-01-06. Review status: criteria provided, single submitter. Criteria: EGL Classification Definitions 2015. Collection method: clinical testing. Allele origin: germline. Observed: 1 variant allele, 1 heterozygote.

Laboratory for Molecular Medicine, Mass General Brigham Personalized Medicine
Classification: Likely benign. Last evaluated: 2012-03-19. Review status: criteria provided, single submitter. Criteria: LMM Criteria. Collection method: clinical testing. Allele origin: germline. Observed: 2 variant alleles.
Comment: Ile29851Ile in exon 298 of TTN: This variant is not expected to have clinical si gnificance because it does not alter an amino acid residue and is not located wi thin the splice consensus sequence. It has been identified in 0.1% (5/6678) of European American chromosomes by the NHLBI Exome Sequencing Project (.). Ile29851Ile in exon 298 of TTN (allele frequency = 0.1% , 5/6678) **

PreventionGenetics, part of Exact Sciences
Classification: Likely benign for TTN-related condition. Last evaluated: 2024-03-04. Review status: no assertion criteria provided. Collection method: clinical testing. Allele origin: germline. Not counted in ClinVar's aggregate classification.
Comment: This variant is classified as likely benign based on ACMG/AMP sequence variant interpretation guidelines (Richards et al. 2015 PMID: 25741868, with internal and published modifications).

Clinical Genetics DNA and cytogenetics Diagnostics Lab, Erasmus MC, Erasmus Medical Center
Classification: Likely benign. Review status: no assertion criteria provided. Collection method: clinical testing. Allele origin: germline. Affected: yes. Study: VKGL Data-share Consensus. Not counted in ClinVar's aggregate classification.

Clinical Genetics, Academic Medical Center
Classification: Benign. Review status: no assertion criteria provided. Collection method: clinical testing. Allele origin: germline. Affected: yes. Study: VKGL Data-share Consensus. Not counted in ClinVar's aggregate classification.

Joint Genome Diagnostic Labs from Nijmegen and Maastricht, Radboudumc and MUMC+
Classification: Benign. Review status: no assertion criteria provided. Collection method: clinical testing. Allele origin: germline. Affected: yes. Study: VKGL Data-share Consensus. Not counted in ClinVar's aggregate classification.